The following is an entry in ClinVar:

ClinVar aggregate classification (germline): Uncertain significance (1 of 4 stars; one submission).

Conditions:
Inborn genetic diseases. Identifiers: MedGen C0950123, MeSH D030342.

Allele frequency attached by ClinVar (database versions not stated): gnomAD 0.00003; TOPMed 0.00003; ExAC 0.00010; ESP Exome Variant Server 0.00015.
gnomAD v4.1: 153 of 1,613,978 alleles (0.0095%); highest among the groups gnomAD compares: Non-Finnish European, 0.012%; no homozygotes.

Submission:

Ambry Genetics
Classification: Uncertain significance for Inborn genetic diseases. Last evaluated: 2018-03-10. Review status: criteria provided, single submitter. Criteria: Ambry Variant Classification Scheme 2023. Collection method: clinical testing. Allele origin: germline.
Comment: The p.H50P variant (also known as c.149A>C), located in coding exon 2 of the NSUN2 gene, results from an A to C substitution at nucleotide position 149. The histidine at codon 50 is replaced by proline, an amino acid with similar properties. This amino acid position is well conserved in available vertebrate species. In addition, the in silico prediction for this alteration is inconclusive. Since supporting evidence is limited at this time, the clinical significance of this alteration remains unclear.

NM_017755.6(NSUN2):c.149A>C (p.His50Pro)

Gene: NSUN2 (NOP2/Sun RNA methyltransferase 2; minus strand). Cytogenetic location: 5p15.31.
Variant type: single nucleotide variant.
Coding change: c.149A>C on transcript NM_017755.6 (MANE Select); coding-DNA position 149, A replaced by C.
Protein change: p.His50Pro; replaces histidine 50 with proline.
Molecular consequence: missense variant. On other transcripts: non-coding transcript variant (1).
Genome position (GRCh38, 1-based): chr5:6,632,704, T>G on the plus strand (A>C on the coding strand, the complement: NSUN2 is on the minus strand). VCF-style: chr5-6632704-T-G. GRCh37 (hg19) VCF-style: chr5-6632817-T-G.
Other names: c.149A>C, p.His50Pro (NM_001193455.2); short protein forms H50P.
Identifiers: ClinVar variation 1773944 (VCV001773944.2), dbSNP rs371229409, ClinGen allele CA3192915.